The following is an entry in ClinVar:

ClinVar aggregate classification (germline): Conflicting classifications of pathogenicity. Review status: criteria provided, conflicting classifications (1 of 4 stars). 4 submissions from 4 submitters: Pathogenic (1); Likely pathogenic (1); Uncertain significance (2). Last evaluated 2025-06-13.

Conditions:
Infantile neuroaxonal dystrophy (NBIA2A). Also called: NEURODEGENERATION WITH BRAIN IRON ACCUMULATION 2A; Infantile neuroaxonal dystrophy 1; SEITELBERGER DISEASE. Identifiers: Orphanet 35069, MedGen C0270724, MONDO:0024457, OMIM 256600.
Neurodegeneration with brain iron accumulation 2B. Also called: NEUROAXONAL DYSTROPHY, ATYPICAL; NEURODEGENERATION WITH BRAIN IRON ACCUMULATION, PLA2G6-RELATED; aNAD; atypical Neuroaxonal Dystrophy (aNAD). Identifiers: Orphanet 35069, MedGen C1857747, MONDO:0012444, OMIM 610217.
PLA2G6-associated neurodegeneration (PLAN). Also called: phospholipase A2-associated neurodegeneration. Identifiers: Orphanet 329303, MedGen CN204472, MONDO:0017998.
Neurodegeneration with brain iron accumulation (NBIA). Identifiers: Orphanet 385, MedGen C2931845, MONDO:0018307.

Allele frequency attached by ClinVar (database versions not stated): gnomAD exomes 0.00001.
gnomAD v4.1: 12 of 1,612,576 alleles (0.00074%); highest among the groups gnomAD compares: Admixed American, 0.0017%; no homozygotes.

Submissions (4):

Women's Health and Genetics/Laboratory Corporation of America, LabCorp
Classification: Likely pathogenic for Neurodegeneration with brain iron accumulation. Last evaluated: 2025-06-13. Review status: criteria provided, single submitter. Criteria: LabCorp Variant Classification Summary - May 2015. Collection method: clinical testing. Allele origin: germline.
Comment: Variant summary: PLA2G6 c.1957G>A (p.Gly653Ser) results in a non-conservative amino acid change located in the Patatin-like phospholipase domain of the encoded protein sequence. Algorithms developed to predict the effect of missense changes on protein structure and function all suggest that this variant is likely to be disruptive. The variant allele was found at a frequency of 1.2e-05 in 248006 control chromosomes. c.1957G>A has been reported in the literature in individuals affected with clinical features of PLA2G6-related disorders (Lu_2019, Zhang_2013, Sakamoto_2022, Sun_2023).These data indicate that the variant is likely to be associated with disease. To our knowledge, no experimental evidence demonstrating an impact on protein function has been reported. The following publications have been ascertained in the context of this evaluation (PMID: 27196560, 31506141, 36305856, 37198191, 22934738). ClinVar contains an entry for this variant (Variation ID: 1301347). Based on the evidence outlined above, the variant was classified as likely pathogenic.

Labcorp Genetics (formerly Invitae), Labcorp
Classification: Pathogenic for Infantile neuroaxonal dystrophy. Last evaluated: 2023-12-17. Review status: criteria provided, single submitter. Criteria: Invitae Variant Classification Sherloc (09022015). Collection method: clinical testing. Allele origin: germline.
Comment: This sequence change replaces glycine, which is neutral and non-polar, with serine, which is neutral and polar, at codon 653 of the PLA2G6 protein (p.Gly653Ser). This variant is present in population databases (rs754204295, gnomAD 0.003%). This missense change has been observed in individual(s) with infantile neuroaxonal dystrophy (PMID: 22934738, 31506141). In at least one individual the data is consistent with being in trans (on the opposite chromosome) from a pathogenic variant. ClinVar contains an entry for this variant (Variation ID: 1301347). Advanced modeling of protein sequence and biophysical properties (such as structural, functional, and spatial information, amino acid conservation, physicochemical variation, residue mobility, and thermodynamic stability) performed at Invitae indicates that this missense variant is expected to disrupt PLA2G6 protein function with a positive predictive value of 80%. Algorithms developed to predict the effect of sequence changes on RNA splicing suggest that this variant may create or strengthen a splice site. For these reasons, this variant has been classified as Pathogenic.

Broad Center for Mendelian Genomics, Broad Institute of MIT and Harvard
Classification: Uncertain significance for PLA2G6-associated neurodegeneration. Last evaluated: 2023-01-24. Review status: criteria provided, single submitter. Criteria: ACMG Guidelines, 2015. Collection method: curation. Allele origin: germline. Inheritance: Autosomal recessive inheritance.
Comment: The p.Gly653Ser variant in PLA2G6 has been reported in 2 individuals, in the compound heterozygous state, with PLA2G6-associated neurodegeneration (PMID: 22934738, 31506141) and has been identified in 0.003% (1/34320) of Latino/Admixed American chromosomes by the Genome Aggregation Database (gnomAD; dbSNP ID: rs754204295). Although this variant has been seen in the general population in a heterozygous state, its frequency is low enough to be consistent with a recessive carrier frequency. This variant has also been reported in ClinVar (Variation ID#: 1301347) and has been interpreted as a variant of uncertain significance by Women's Health and Genetics/Laboratory Corporation of America (LabCorp) and New York Genome Center. Computational prediction tools and conservation analyses suggest that this variant may impact the protein, though this information is not predictive enough to determine pathogenicity. In summary, the clinical significance of the p.Gly653Ser variant is uncertain. ACMG/AMP Criteria applied: PP3, PM2_supporting (Richards 2015).

New York Genome Center
Classification: Uncertain significance for Neurodegeneration with brain iron accumulation 2B; Infantile neuroaxonal dystrophy. Last evaluated: 2021-03-24. Review status: criteria provided, single submitter. Criteria: NYGC Assertion Criteria 2020. Collection method: clinical testing. Allele origin: germline. Observed: 1 heterozygote. Study: CSER-NYCKidSeq.

Literature cited by the submitters: PubMed 27196560 (cited by Women's Health and Genetics/Laboratory Corporation of America, LabCorp); PubMed 31506141 (cited by Women's Health and Genetics/Laboratory Corporation of America, LabCorp and Labcorp Genetics (formerly Invitae), Labcorp); PubMed 22934738 (cited by Women's Health and Genetics/Laboratory Corporation of America, LabCorp and Labcorp Genetics (formerly Invitae), Labcorp); PubMed 36305856 (cited by Women's Health and Genetics/Laboratory Corporation of America, LabCorp); PubMed 37198191 (cited by Women's Health and Genetics/Laboratory Corporation of America, LabCorp).

NM_003560.4(PLA2G6):c.1957G>A (p.Gly653Ser)

Gene: PLA2G6 (phospholipase A2 group VI; minus strand). Cytogenetic location: 22q13.1.
Variant type: single nucleotide variant.
Coding change: c.1957G>A on transcript NM_003560.4 (MANE Select); coding-DNA position 1957, G replaced by A.
Protein change: p.Gly653Ser; replaces glycine 653 with serine.
Molecular consequence: missense variant.
Genome position (GRCh38, 1-based): chr22:38,115,604, C>T on the plus strand (G>A on the coding strand, the complement: PLA2G6 is on the minus strand). VCF-style: chr22-38115604-C-T. GRCh37 (hg19) VCF-style: chr22-38511611-C-T.
Other names: NM_003560.4(PLA2G6):c.1957G>A; p.Gly653Ser; c.1795G>A, p.Gly599Ser (NM_001349866.2, NM_001004426.3, NM_001199562.3 and 1 more transcripts); c.1423G>A, p.Gly475Ser (NM_001349867.2); c.1279G>A, p.Gly427Ser (NM_001349868.2); c.1261G>A, p.Gly421Ser (NM_001349869.2); c.1957G>A, p.Gly653Ser (NM_001349864.2); short protein forms G421S, G427S, G475S, G599S, G653S.
Identifiers: ClinVar variation 1301347 (VCV001301347.11), dbSNP rs754204295, ClinGen allele CA10230668.